The following is an entry in ClinVar:

ClinVar aggregate classification (germline): Uncertain significance. Review status: criteria provided, multiple submitters, no conflicts (2 of 4 stars). 2 submissions from 2 submitters: Uncertain significance (2). Last evaluated 2023-02-07.

Conditions:
Wiskott-Aldrich syndrome 2 (WAS2). Also called: WIPF1 DEFICIENCY. Identifiers: Orphanet 906, MedGen C3281001, MONDO:0013779, OMIM 614493.
Inborn genetic diseases. Identifiers: MedGen C0950123, MeSH D030342.

Allele frequency attached by ClinVar (database versions not stated): gnomAD exomes below 0.00001 and 0.00001; gnomAD 0.00001; TOPMed 0.00001.
gnomAD v4.1: 6 of 1,583,936 alleles (0.00038%); highest among the groups gnomAD compares: East Asian, 0.013%; no homozygotes.

Submissions (2):

Ambry Genetics
Classification: Uncertain significance for Inborn genetic diseases. Last evaluated: 2023-02-07. Review status: criteria provided, single submitter. Criteria: Ambry Variant Classification Scheme 2023. Collection method: clinical testing. Allele origin: germline.

Labcorp Genetics (formerly Invitae), Labcorp
Classification: Uncertain significance for Wiskott-Aldrich syndrome 2. Last evaluated: 2018-11-07. Review status: criteria provided, single submitter. Criteria: Invitae Variant Classification Sherloc (09022015). Collection method: clinical testing. Allele origin: germline.
Comment: This variant has not been reported in the literature in individuals with WIPF1-related disease. In summary, the available evidence is currently insufficient to determine the role of this variant in disease. Therefore, it has been classified as a Variant of Uncertain Significance. Algorithms developed to predict the effect of missense changes on protein structure and function (SIFT, PolyPhen-2, Align-GVGD) all suggest that this variant is likely to be tolerated, but these predictions have not been confirmed by published functional studies and their clinical significance is uncertain. This variant is not present in population databases (ExAC no frequency). This sequence change replaces serine with proline at codon 238 of the WIPF1 protein (p.Ser238Pro). The serine residue is weakly conserved and there is a moderate physicochemical difference between serine and proline.

NM_001375834.1(WIPF1):c.712T>C (p.Ser238Pro)

Gene: WIPF1 (WAS/WASL interacting protein family member 1; minus strand). Cytogenetic location: 2q31.1.
Variant type: single nucleotide variant.
Coding change: c.712T>C on transcript NM_001375834.1 (MANE Select); coding-DNA position 712, T replaced by C.
Protein change: p.Ser238Pro; replaces serine 238 with proline.
Molecular consequence: missense variant.
Genome position (GRCh38, 1-based): chr2:174,572,093, A>G on the plus strand (T>C on the coding strand, the complement: WIPF1 is on the minus strand). VCF-style: chr2-174572093-A-G. GRCh37 (hg19) VCF-style: chr2-175436821-A-G.
Other names: c.712T>C, p.Ser238Pro (NM_001077269.1, NM_001375832.1, NM_001375833.1 and 5 more transcripts); c.334T>C, p.Ser112Pro (NM_001375839.1); short protein forms S238P, S112P.
Identifiers: ClinVar variation 661373 (VCV000661373.7), dbSNP rs1185793589, ClinGen allele CA349341982.
Genomic context (GRCh38, chr2:174,572,093, plus strand): 5'-TGCTGGGGGTAGGCGGCAGGGGAGGCCGGTTGGAGAAGGGCGAGGAGGAGCTCAAGGGGG[A>G]CTGACGTATTGAGCCTCCTCCCAAAGCAGTGCCGCGGTTTCCAGGGAAAGGGGGAGGAGT-3'
Protein context (NP_001362763.1, residues 228-248): TALGGGSIRQ[Ser238Pro]PLSSSSPFSN